The following is an entry in ClinVar:

ClinVar aggregate classification (germline): Likely pathogenic (1 of 4 stars; one submission).

Conditions:
Dilated cardiomyopathy 1G (CMD1G). Identifiers: Orphanet 154, MedGen C1858763, MONDO:0011400, OMIM 604145.
Autosomal recessive limb-girdle muscular dystrophy type 2J (LGMDR10). Also called: Limb-girdle muscular dystrophy, type 2J; MUSCULAR DYSTROPHY, LIMB-GIRDLE, AUTOSOMAL RECESSIVE 10. Identifiers: Orphanet 140922, MedGen C1837342, MONDO:0012127, OMIM 608807.

Submission:

Labcorp Genetics (formerly Invitae), Labcorp
Classification: Likely pathogenic for Dilated cardiomyopathy 1G; Limb-girdle muscular dystrophy, type 2J. Last evaluated: 2019-06-17. Review status: criteria provided, single submitter. Criteria: Invitae Variant Classification Sherloc (09022015). Collection method: clinical testing. Allele origin: germline.
Comment: This sequence change inserts a large fragment of DNA, likely a transposable element, in exon 320 of the TTN gene (c.67705_67706ins168), causing a frameshift at codon 22569 (p.Arg22569fs). The exact size and sequence of the insertion cannot be determined by the current assay. However, the insertion is expected to result in an absent or disrupted protein product. This variant is not present in population databases (ExAC no frequency). This variant has not been reported in the literature in individuals with TTN-related conditions. This variant is located in the A band of TTN (PMID: 25589632). Truncating variants in this region are significantly overrepresented in patients affected with dilated cardiomyopathy (PMID: 25589632). Truncating variants in this region have also been reported in individuals affected with autosomal recessive centronuclear myopathy (PMID: 23975875). Algorithms developed to predict the effect of sequence changes on RNA splicing suggest that this variant may create or strengthen a splice site, but this prediction has not been confirmed by published transcriptional studies. Retrotransposon insertions including LINE1 (L1), Alu, and SVA (SINE-VNTR-Alu) have been reported to be disease-causing through disruption of either a coding region or splice site (PMID: 19763152, 20307669, 22406018). In summary, the currently available evidence indicates that the variant is pathogenic, but additional data are needed to prove that conclusively. Therefore, this variant has been classified as Likely Pathogenic.

Literature cited by the submitters: PubMed 20307669; PubMed 23975875; PubMed 22406018; PubMed 25589632; PubMed 19763152.

NM_001267550.2(TTN):c.67705_67706insLINE1

Gene: TTN (titin; minus strand). Cytogenetic location: 2q31.2.
Variant type: Insertion.
Coding change: c.67705_67706insLINE1 on transcript NM_001267550.2; coding-DNA positions 67705 to 67706, an insertion.
Other names: NM_001267550.2:c.67705_67706insLINE.
Identifiers: ClinVar variation 870259 (VCV000870259.1).